The following is an entry in ClinVar:

ClinVar aggregate classification (germline): Uncertain significance (1 of 4 stars; one submission).

Allele frequency attached by ClinVar (database versions not stated): gnomAD exomes below 0.00001; gnomAD 0.00001; TOPMed 0.00001.
gnomAD v4.1: 5 of 1,614,038 alleles (0.00031%); highest among the groups gnomAD compares: Non-Finnish European, 0.00042%; no homozygotes.

Submission:

Labcorp Genetics (formerly Invitae), Labcorp
Classification: Uncertain significance. Last evaluated: 2021-06-24. Review status: criteria provided, single submitter. Criteria: Invitae Variant Classification Sherloc (09022015). Collection method: clinical testing. Allele origin: germline.
Comment: This sequence change replaces valine with alanine at codon 528 of the TNFAIP3 protein (p.Val528Ala). The valine residue is moderately conserved and there is a small physicochemical difference between valine and alanine. This variant is not present in population databases (ExAC no frequency). This variant has not been reported in the literature in individuals with TNFAIP3-related conditions. Algorithms developed to predict the effect of missense changes on protein structure and function output the following: SIFT: "Tolerated"; PolyPhen-2: "Benign"; Align-GVGD: "Class C0". The alanine amino acid residue is found in multiple mammalian species, suggesting that this missense change does not adversely affect protein function. These predictions have not been confirmed by published functional studies and their clinical significance is uncertain. In summary, the available evidence is currently insufficient to determine the role of this variant in disease. Therefore, it has been classified as a Variant of Uncertain Significance.

NM_001270508.2(TNFAIP3):c.1583T>C (p.Val528Ala)

Gene: TNFAIP3 (TNF alpha induced protein 3; plus strand). Cytogenetic location: 6q23.3.
Variant type: single nucleotide variant.
Coding change: c.1583T>C on transcript NM_001270508.2 (MANE Select); coding-DNA position 1583, T replaced by C.
Protein change: p.Val528Ala; replaces valine 528 with alanine.
Molecular consequence: missense variant.
Genome position (GRCh38, 1-based): chr6:137,879,028, T>C. VCF-style: chr6-137879028-T-C. GRCh37 (hg19) VCF-style: chr6-138200165-T-C.
Other names: c.1583T>C, p.Val528Ala (NM_001270507.2, NM_006290.4); short protein forms V528A.
Identifiers: ClinVar variation 1363630 (VCV001363630.8), dbSNP rs1305036781, ClinGen allele CA365793028.